The following is an entry in ClinVar:

NM_006205.3(PDE6H):c.224A>G (p.His75Arg)

Gene: PDE6H (phosphodiesterase 6H; plus strand). Cytogenetic location: 12p12.3.
Variant type: single nucleotide variant.
Coding change: c.224A>G on transcript NM_006205.3 (MANE Select); coding-DNA position 224, A replaced by G.
Protein change: p.His75Arg; replaces histidine 75 with arginine.
Molecular consequence: missense variant.
Genome position (GRCh38, 1-based): chr12:14,981,448, A>G. VCF-style: chr12-14981448-A-G. GRCh37 (hg19) VCF-style: chr12-15134382-A-G.
Other names: short protein forms H75R.
Identifiers: ClinVar variation 2093864 (VCV002093864.4), dbSNP rs2497607103, ClinGen allele CA384025503.

ClinVar aggregate classification (germline): Uncertain significance (1 of 4 stars; one submission).

Allele frequency attached by ClinVar (database versions not stated): gnomAD exomes below 0.00001.
gnomAD v4.1: 1 of 1,613,362 alleles (0.000062%); highest among the groups gnomAD compares: Non-Finnish European, 0.000085%; no homozygotes.

Submission:

Labcorp Genetics (formerly Invitae), Labcorp
Classification: Uncertain significance. Last evaluated: 2025-04-16. Review status: criteria provided, single submitter. Criteria: Invitae Variant Classification Sherloc (09022015). Collection method: clinical testing. Allele origin: germline.
Comment: This sequence change replaces histidine, which is basic and polar, with arginine, which is basic and polar, at codon 75 of the PDE6H protein (p.His75Arg). This variant is not present in population databases (gnomAD no frequency). This variant has not been reported in the literature in individuals affected with PDE6H-related conditions. ClinVar contains an entry for this variant (Variation ID: 2093864). An algorithm developed to predict the effect of missense changes on protein structure and function (PolyPhen-2) suggests that this variant is likely to be tolerated. In summary, the available evidence is currently insufficient to determine the role of this variant in disease. Therefore, it has been classified as a Variant of Uncertain Significance.